The following is an entry in ClinVar:

NM_005159.5(ACTC1):c.991-2del

Genes: ACTC1 (actin alpha cardiac muscle 1; minus strand), GJD2-DT (GJD2 divergent transcript; plus strand). Cytogenetic location: 15q14.
Variant type: Deletion.
Coding change: c.991-2del on transcript NM_005159.5 (MANE Select); the canonical splice acceptor site of the intron before coding-DNA position 991, one base deleted (A; older notation c.991-2delA).
Molecular consequence: splice acceptor variant.
Genome position (GRCh38, 1-based): chr15:34,790,557, T deleted on the plus strand (A on the coding strand, the reverse complement: ACTC1 is on the minus strand). VCF-style (leftmost placement, unchanged base first): chr15-34790556-CT-C. GRCh37 (hg19) VCF-style: chr15-35082757-CT-C.
Other names: c.991-2del (NM_001406483.1, NM_001406482.1); c.550-2del (NM_001406485.1); c.856-2del (NM_001406484.1).
Identifiers: ClinVar variation 2107052 (VCV002107052.4), dbSNP rs2504176181, ClinGen allele CA2580089271.

ClinVar aggregate classification (germline): Uncertain significance (1 of 4 stars; one submission).

Conditions:
Atrial septal defect 5 (ASD5). Identifiers: Orphanet 1478, MedGen C2748552, MONDO:0013011, OMIM 612794.
Hypertrophic cardiomyopathy 11. Also called: ACTC1-Related Familial Hypertrophic Cardiomyopathy. Identifiers: MedGen C2677506, MONDO:0012799, OMIM 612098.
Dilated cardiomyopathy 1R (CMD1R). Identifiers: Orphanet 154, Orphanet 54260, MedGen C3150681, MONDO:0013261, OMIM 613424.

Submission:

Labcorp Genetics (formerly Invitae), Labcorp
Classification: Uncertain significance for Dilated cardiomyopathy 1R; Hypertrophic cardiomyopathy 11; Atrial septal defect 5. Last evaluated: 2022-03-05. Review status: criteria provided, single submitter. Criteria: Invitae Variant Classification Sherloc (09022015). Collection method: clinical testing. Allele origin: germline.
Comment: In summary, the available evidence is currently insufficient to determine the role of this variant in disease. Therefore, it has been classified as a Variant of Uncertain Significance. Algorithms developed to predict the effect of sequence changes on RNA splicing suggest that this variant may disrupt the consensus splice site. This variant has not been reported in the literature in individuals affected with ACTC1-related conditions. This variant is not present in population databases (gnomAD no frequency). This sequence change affects a splice site in intron 6 of the ACTC1 gene. It is expected to disrupt RNA splicing. Variants that disrupt the donor or acceptor splice site typically lead to a loss of protein function (PMID: 16199547), however the current clinical and genetic evidence is not sufficient to establish whether loss-of-function variants in ACTC1 cause disease.

Literature cited by the submitters: PubMed 16199547.